The following is an entry in ClinVar:

NM_203446.3(SYNJ1):c.3438dup (p.Ala1147fs)

Gene: SYNJ1 (synaptojanin 1; minus strand). Cytogenetic location: 21q22.11.
Variant type: Duplication.
Coding change: c.3438dup on transcript NM_203446.3 (MANE Select); coding-DNA position 3438, one base duplicated (A; older notation c.3438dupA).
Protein change: p.Ala1147fs; shifts the reading frame from alanine 1147.
Molecular consequence: frameshift variant. On other transcripts: intron variant (2).
Genome position (GRCh38, 1-based): chr21:32,643,450, T duplicated on the plus strand (A on the coding strand, the reverse complement: SYNJ1 is on the minus strand). VCF-style (leftmost placement, unchanged base first): chr21-32643449-C-CT. GRCh37 (hg19) VCF-style: chr21-34015759-C-CT.
Other names: c.3555dup, p.Ala1186fs (NM_003895.4); c.3431-1317dup (NM_001160302.2); c.3377-1484dup (NM_001160306.2); short protein forms A1147fs, A1186fs.
Identifiers: ClinVar variation 1070684 (VCV001070684.7), dbSNP rs2145756643, ClinGen allele CA2499225858.

ClinVar aggregate classification (germline): Pathogenic (1 of 4 stars; one submission).

Conditions:
Developmental and epileptic encephalopathy, 53. Also called: Epileptic encephalopathy, early infantile, 53. Identifiers: MedGen C4479313, MONDO:0033362, OMIM 617389.
Early-onset Parkinson disease 20. Also called: PARKINSON DISEASE 20, AUTOSOMAL RECESSIVE EARLY-ONSET. Identifiers: Orphanet 391411, MedGen C3809824, MONDO:0014233, OMIM 615530.

Allele frequency attached by ClinVar (database versions not stated): gnomAD exomes below 0.00001.

Submission:

Labcorp Genetics (formerly Invitae), Labcorp
Classification: Pathogenic for Developmental and epileptic encephalopathy, 53; Early-onset Parkinson disease 20. Last evaluated: 2023-11-27. Review status: criteria provided, single submitter. Criteria: Invitae Variant Classification Sherloc (09022015). Collection method: clinical testing. Allele origin: germline.
Comment: This sequence change creates a premature translational stop signal (p.Ala1186Serfs*9) in the SYNJ1 gene. It is expected to result in an absent or disrupted protein product. Loss-of-function variants in SYNJ1 are known to be pathogenic (PMID: 25316601, 27435091). This variant is not present in population databases (gnomAD no frequency). This variant has not been reported in the literature in individuals affected with SYNJ1-related conditions. ClinVar contains an entry for this variant (Variation ID: 1070684). For these reasons, this variant has been classified as Pathogenic.

Literature cited by the submitters: PubMed 25316601; PubMed 27435091.